The following is an entry in ClinVar:

NM_033100.4(CDHR1):c.436G>A (p.Glu146Lys)

Gene: CDHR1 (cadherin related family member 1; plus strand). Cytogenetic location: 10q23.1.
Variant type: single nucleotide variant.
Coding change: c.436G>A on transcript NM_033100.4 (MANE Select); coding-DNA position 436, G replaced by A.
Protein change: p.Glu146Lys; replaces glutamic acid 146 with lysine.
Molecular consequence: missense variant.
Genome position (GRCh38, 1-based): chr10:84,199,119, G>A. VCF-style: chr10-84199119-G-A. GRCh37 (hg19) VCF-style: chr10-85958875-G-A.
Other names: c.436G>A, p.Glu146Lys (NM_001171971.3); short protein forms E146K.
Identifiers: ClinVar variation 1488477 (VCV001488477.4), dbSNP rs184437421, ClinGen allele CA5579531.

ClinVar aggregate classification (germline): Uncertain significance. Review status: criteria provided, multiple submitters, no conflicts (2 of 4 stars). 2 submissions from 2 submitters: Uncertain significance (2). Last evaluated 2021-12-19.

Allele frequency attached by ClinVar (database versions not stated): gnomAD 0.00003; ExAC 0.00005; 1000 Genomes Project 30x 0.00016; gnomAD exomes 0.00001; TOPMed 0.00002; 1000 Genomes Project 0.00020.
gnomAD v4.1: 11 of 1,550,746 alleles (0.00071%); highest among the groups gnomAD compares: African/African-American, 0.0041%; no homozygotes.

Submissions (2):

Labcorp Genetics (formerly Invitae), Labcorp
Classification: Uncertain significance. Last evaluated: 2021-12-19. Review status: criteria provided, single submitter. Criteria: Invitae Variant Classification Sherloc (09022015). Collection method: clinical testing. Allele origin: germline.
Comment: This sequence change replaces glutamic acid, which is acidic and polar, with lysine, which is basic and polar, at codon 146 of the CDHR1 protein (p.Glu146Lys). This variant is present in population databases (rs184437421, gnomAD 0.01%). This variant has not been reported in the literature in individuals affected with CDHR1-related conditions. Algorithms developed to predict the effect of missense changes on protein structure and function are either unavailable or do not agree on the potential impact of this missense change (SIFT: "Deleterious"; PolyPhen-2: "Probably Damaging"; Align-GVGD: "Class C0"). In summary, the available evidence is currently insufficient to determine the role of this variant in disease. Therefore, it has been classified as a Variant of Uncertain Significance.

Breakthrough Genomics
Classification: Uncertain significance. Review status: criteria provided, single submitter. Criteria: ACMG Guidelines, 2015. Collection method: not provided. Allele origin: germline. Inheritance: Autosomal recessive inheritance. Affected: yes.